The following is an entry in ClinVar:

NM_000059.4(BRCA2):c.9608A>G (p.Tyr3203Cys)

Gene: BRCA2 (BRCA2 DNA repair associated; plus strand). Cytogenetic location: 13q13.1.
Variant type: single nucleotide variant.
Coding change: c.9608A>G on transcript NM_000059.4 (MANE Select); coding-DNA position 9608, A replaced by G.
Protein change: p.Tyr3203Cys; replaces tyrosine 3203 with cysteine.
Molecular consequence: missense variant.
Genome position (GRCh38, 1-based): chr13:32,397,004, A>G. VCF-style: chr13-32397004-A-G. GRCh37 (hg19) VCF-style: chr13-32971141-A-G.
Other names: short protein forms Y3203C.
Identifiers: ClinVar variation 1370218 (VCV001370218.9), dbSNP rs2137659539, ClinGen allele CA387763620.

ClinVar aggregate classification (germline): Conflicting classifications of pathogenicity. Review status: criteria provided, conflicting classifications (1 of 4 stars). 2 submissions from 2 submitters: Uncertain significance (1); Likely benign (1). Last evaluated 2026-04-20.

Conditions:
Inherited ovarian cancer (without breast cancer).
Hereditary breast ovarian cancer syndrome. Also called: Hereditary breast and ovarian cancer; BRCA1- and BRCA2-Associated Hereditary Breast and Ovarian Cancer; Hereditary breast and ovarian cancer syndrome (HBOC); Breast and ovarian cancer; Hereditary breast and ovarian cancer syndrome; Hereditary breast and/or ovarian cancer syndrome. Identifiers: Orphanet 145, MedGen C0677776, MeSH D061325, MONDO:0003582. Disease mechanism: loss of function.

Allele frequency attached by ClinVar (database versions not stated): gnomAD exomes below 0.00001.
gnomAD v4.1: 2 of 1,614,166 alleles (0.00012%); highest among the groups gnomAD compares: Non-Finnish European, 0.00017%; no homozygotes.

Submissions (2):

Cambridge Genomics Laboratory, East Genomic Laboratory Hub, NHS Genomic Medicine Service
Classification: Likely benign for Inherited ovarian cancer (without breast cancer). Last evaluated: 2026-04-20. Review status: criteria provided, single submitter. Criteria: ACGS Best Practice Guidelines for Variant Classification in Rare Disease 2020. Collection method: clinical testing. Allele origin: germline. Affected: yes.
Comment: PM2_Supporting,BS3_Strong,BP4

Labcorp Genetics (formerly Invitae), Labcorp
Classification: Uncertain significance for Hereditary breast ovarian cancer syndrome. Last evaluated: 2025-03-11. Review status: criteria provided, single submitter. Criteria: Invitae Variant Classification Sherloc (09022015). Collection method: clinical testing. Allele origin: germline.
Comment: This sequence change replaces tyrosine, which is neutral and polar, with cysteine, which is neutral and slightly polar, at codon 3203 of the BRCA2 protein (p.Tyr3203Cys). This variant is not present in population databases (gnomAD no frequency). This missense change has been observed in individual(s) with breast and colon cancer (PMID: 27978560). ClinVar contains an entry for this variant (Variation ID: 1370218). Invitae Evidence Modeling of protein sequence and biophysical properties (such as structural, functional, and spatial information, amino acid conservation, physicochemical variation, residue mobility, and thermodynamic stability) indicates that this missense variant is not expected to disrupt BRCA2 protein function with a negative predictive value of 95%. In summary, the available evidence is currently insufficient to determine the role of this variant in disease. Therefore, it has been classified as a Variant of Uncertain Significance.

Literature cited by the submitters: PubMed 27978560 (cited by Labcorp Genetics (formerly Invitae), Labcorp).